The following is an entry in ClinVar:

NM_003072.5(SMARCA4):c.4716C>T (p.Gly1572=)

Gene: SMARCA4 (SWI/SNF related BAF chromatin remodeling complex subunit ATPase 4; plus strand). Cytogenetic location: 19p13.2.
Variant type: single nucleotide variant.
Coding change: c.4716C>T on transcript NM_003072.5 (MANE Select); coding-DNA position 4716, C replaced by T.
Protein change: p.Gly1572=; no amino-acid change (glycine 1572 retained).
Molecular consequence: synonymous variant. On other transcripts: non-coding transcript variant (1).
Genome position (GRCh38, 1-based): chr19:11,059,833, C>T. VCF-style: chr19-11059833-C-T. GRCh37 (hg19) VCF-style: chr19-11170509-C-T.
Other names: c.4716C>T, p.Gly1572= (NM_001128844.3); c.4626C>T, p.Gly1542= (NM_001128845.2); c.4623C>T, p.Gly1541= (NM_001128846.2); c.4617C>T, p.Gly1539= (NM_001128847.4, NM_001374457.1); c.4614C>T, p.Gly1538= (NM_001128848.2); c.4812C>T, p.Gly1604= (NM_001128849.3, NM_001387283.1); c.4713C>T, p.Gly1571= (NM_001411150.1).
Identifiers: ClinVar variation 1743297 (VCV001743297.3), dbSNP rs1368796043, ClinGen allele CA505495197.

ClinVar aggregate classification (germline): Conflicting classifications of pathogenicity. Review status: criteria provided, conflicting classifications (1 of 4 stars). 2 submissions from 2 submitters: Uncertain significance (1); Likely benign (1). Last evaluated 2025-07-06.

Conditions:
Hereditary cancer-predisposing syndrome. Also called: Hereditary Cancer Syndrome; Neoplastic Syndromes, Hereditary; Tumor predisposition; Hereditary neoplastic syndrome. Identifiers: Orphanet 140162, MedGen C0027672, MeSH D009386, MONDO:0015356.
Rhabdoid tumor predisposition syndrome 2 (RTPS2). Identifiers: Orphanet 231108, Orphanet 69077, MedGen C2750074, MONDO:0013224, OMIM 613325.

gnomAD v4.1: 1 of 1,613,362 alleles (0.000062%); highest among the groups gnomAD compares: Non-Finnish European, 0.000085%; no homozygotes.

Submissions (2):

Labcorp Genetics (formerly Invitae), Labcorp
Classification: Uncertain significance for Rhabdoid tumor predisposition syndrome 2. Last evaluated: 2025-07-06. Review status: criteria provided, single submitter. Criteria: Invitae Variant Classification Sherloc (09022015). Collection method: clinical testing. Allele origin: germline.
Comment: This sequence change affects codon 1604 of the SMARCA4 mRNA. It is a 'silent' change, meaning that it does not change the encoded amino acid sequence of the SMARCA4 protein. This variant is not present in population databases (gnomAD no frequency). This variant has not been reported in the literature in individuals affected with SMARCA4-related conditions. ClinVar contains an entry for this variant (Variation ID: 1743297). Algorithms developed to predict the effect of sequence changes on RNA splicing suggest that this variant may disrupt the consensus splice site. In summary, the available evidence is currently insufficient to determine the role of this variant in disease. Therefore, it has been classified as a Variant of Uncertain Significance.

Ambry Genetics
Classification: Likely benign for Hereditary cancer-predisposing syndrome. Last evaluated: 2017-12-18. Review status: criteria provided, single submitter. Criteria: Ambry Variant Classification Scheme 2023. Collection method: clinical testing. Allele origin: germline.